The following is an entry in ClinVar:

ClinVar aggregate classification (germline): Uncertain significance (1 of 4 stars; one submission).

Conditions:
Cardiovascular phenotype. Identifiers: MedGen CN230736.

Submission:

Ambry Genetics
Classification: Uncertain significance for Cardiovascular phenotype. Last evaluated: 2021-06-02. Review status: criteria provided, single submitter. Criteria: Ambry Variant Classification Scheme 2023. Collection method: clinical testing. Allele origin: germline.
Comment: The p.K1475Q variant (also known as c.4423A>C), located in coding exon 17 of the AKAP9 gene, results from an A to C substitution at nucleotide position 4423. The lysine at codon 1475 is replaced by glutamine, an amino acid with similar properties. This amino acid position is poorly conserved in available vertebrate species. In addition, this alteration is predicted to be tolerated by in silico analysis. Since supporting evidence is limited at this time, the clinical significance of this alteration remains unclear.

NM_005751.5(AKAP9):c.4423A>C (p.Lys1475Gln)

Gene: AKAP9 (A-kinase anchoring protein 9; plus strand). Cytogenetic location: 7q21.2.
Variant type: single nucleotide variant.
Coding change: c.4423A>C on transcript NM_005751.5 (MANE Select); coding-DNA position 4423, A replaced by C.
Protein change: p.Lys1475Gln; replaces lysine 1475 with glutamine.
Molecular consequence: missense variant.
Genome position (GRCh38, 1-based): chr7:92,038,503, A>C. VCF-style: chr7-92038503-A-C. GRCh37 (hg19) VCF-style: chr7-91667817-A-C.
Other names: c.4423A>C, p.Lys1475Gln (NM_147185.3); short protein forms K1475Q.
Identifiers: ClinVar variation 1740494 (VCV001740494.2), dbSNP rs2484807733, ClinGen allele CA368128714.